The following is an entry in ClinVar:

NM_001348716.2(KDM6B):c.4500C>A (p.Tyr1500Ter)

Genes: KDM6B (lysine demethylase 6B; plus strand), LOC121587574 (Sharpr-MPRA regulatory region 3930; plus strand). Cytogenetic location: 17p13.1.
Variant type: single nucleotide variant.
Coding change: c.4500C>A on transcript NM_001348716.2 (MANE Select); coding-DNA position 4500, C replaced by A.
Protein change: p.Tyr1500Ter; replaces tyrosine 1500 with a stop codon.
Molecular consequence: nonsense.
Genome position (GRCh38, 1-based): chr17:7,852,526, C>A. VCF-style: chr17-7852526-C-A. GRCh37 (hg19) VCF-style: chr17-7755844-C-A.
Other names: c.4500C>A, p.Tyr1500Ter (NM_001080424.2); short protein forms Y1500*.
Identifiers: ClinVar variation 1704463 (VCV001704463.25), dbSNP rs762876815, ClinGen allele CA397927917.

ClinVar aggregate classification (germline): Pathogenic. Review status: criteria provided, single submitter (1 of 4 stars). 2 submissions from 2 submitters: Pathogenic (1). 1 of the submissions does not count toward it. Last evaluated 2023-03-01.

Conditions:
Neurodevelopmental disorder with coarse facies and mild distal skeletal abnormalities. Also called: STOLERMAN NEURODEVELOPMENTAL SYNDROME. Identifiers: MedGen C5193134, MONDO:0032790, OMIM 618505.

Submissions (2):

CeGaT Center for Human Genetics Tuebingen
Classification: Pathogenic. Last evaluated: 2023-03-01. Review status: criteria provided, single submitter. Criteria: CeGaT Center For Human Genetics Tuebingen Variant Classification Criteria Version 2. Collection method: clinical testing. Allele origin: germline. Affected: yes. Observed: 1 variant allele.
Comment: KDM6B: PVS1, PS2, PM2

Joint Genome Diagnostic Labs from Nijmegen and Maastricht, Radboudumc and MUMC+
Classification: Likely pathogenic for Neurodevelopmental disorder with coarse facies and mild distal skeletal abnormalities. Last evaluated: 2022-09-09. Review status: no assertion criteria provided. Collection method: research. Allele origin: de novo. Affected: yes. Not counted in ClinVar's aggregate classification.